The following is an entry in ClinVar:

NM_000352.6(ABCC8):c.4607C>T (p.Ala1536Val)

Gene: ABCC8 (ATP binding cassette subfamily C member 8; minus strand). Cytogenetic location: 11p15.1.
Variant type: single nucleotide variant.
Coding change: c.4607C>T on transcript NM_000352.6 (MANE Select); coding-DNA position 4607, C replaced by T.
Protein change: p.Ala1536Val; replaces alanine 1536 with valine.
Molecular consequence: missense variant. On other transcripts: non-coding transcript variant (1).
Genome position (GRCh38, 1-based): chr11:17,393,698, G>A on the plus strand (C>T on the coding strand, the complement: ABCC8 is on the minus strand). VCF-style: chr11-17393698-G-A. GRCh37 (hg19) VCF-style: chr11-17415245-G-A.
Other names: c.4610C>T, p.Ala1537Val (NM_001287174.3); c.4673C>T, p.Ala1558Val (NM_001351295.2); c.4607C>T, p.Ala1536Val (NM_001351296.2); c.4607C>T (NM_000352.4); c.4604C>T, p.Ala1535Val (NM_001351297.2); short protein forms A1536V, A1537V, A1558V, A1535V.
Identifiers: ClinVar variation 556519 (VCV000556519.8), dbSNP rs745918247, ClinGen allele CA5902421.
Genomic context (GRCh38, chr11:17,393,698, plus strand): 5'-CACAACAGGCCAGTCCTGTCCCTGGGTGTCCCTCTGCACCCCATCAATGGGCCCCTTACC[G>A]CGATGGTGACCACAGTGCGGTCTGCGAAGGCTGTCATCACCACCTTTTGGAGGATGTTTT-3'
Protein context (NP_000343.2, residues 1526-1546): AFADRTVVTI[Ala1536Val]HRVHTILSAD

ClinVar aggregate classification (germline): Conflicting classifications of pathogenicity. Review status: criteria provided, conflicting classifications (1 of 4 stars). 6 submissions from 6 submitters: Likely pathogenic (1); Uncertain significance (4). 1 of the submissions does not count toward it. Last evaluated 2026-06-24.

Conditions:
Hyperinsulinemic hypoglycemia, familial, 1 (HHF1). Also called: Persistent Hyperinsulinemia Hypoglycemia of Infancy; Persistent hyperinsulinemic hypoglycemia of infancy; HYPERINSULINISM, FAMILIAL, WITH PANCREATIC NESIDIOBLASTOSIS; HYPOGLYCEMIA, HYPERINSULINEMIC, OF INFANCY; NESIDIOBLASTOSIS OF PANCREAS. Identifiers: Orphanet 276575, Orphanet 276598, MedGen C2931832, MONDO:0009734, OMIM 256450.
ABCC8-related disorder.

Allele frequency attached by ClinVar (database versions not stated): gnomAD 0.00001; gnomAD exomes 0.00001; TOPMed 0.00001; ExAC 0.00002.
gnomAD v4.1: 5 of 1,614,082 alleles (0.00031%); highest among the groups gnomAD compares: South Asian, 0.0022%; no homozygotes.

Submissions (6):

PreventionGenetics, part of Exact Sciences
Classification: Uncertain significance for ABCC8-related condition. Last evaluated: 2026-06-24. Review status: criteria provided, single submitter. Criteria: ACMG Guidelines, 2015. Collection method: clinical testing. Allele origin: germline.
Comment: The ABCC8 c.4607C>T variant is predicted to result in the amino acid substitution p.Ala1536Val. This variant (also described as p.Ala1537Val) has been reported in individuals with autosomal dominant ABCC8-related insulin disorders (Nóvoa-Medina et al. 2021. PubMed ID: 34253504; Park et al. 2022. PubMed ID: 34015902; Table S3, Colclough et al. 2022. PubMed ID: 34789499) and appeared to segregate with the disorder in one family (Kapoor et al. 2011. PubMed ID: 21674179). More recent literature reviews have classified the variant as likely pathogenic (Li et al. 2021. PubMed ID: 34631896; Marassi et al. 2024. PubMed ID: 38980630). Additionally, this variant has been reported in the heterozygous state in an individual with polycystic ovarian syndrome (PCOS, Bauer et al. 2025. PubMed ID: 40832409). An in vitro functional study found that the p.Ala1536Val variant results in a loss of potassium channel activity (Kapoor et al. 2011. PubMed ID: 21674179). This variant is reported in 0.0065% of alleles in individuals of South Asian descent in gnomAD. Other missense variants at the same amino acid residue (p.Ala1536=, p.Ala1536Pro, p.Ala1536Thr) have been reported in individuals with ABCC8-related disorders (Park et al. 2016. PubMed ID: 28018462; Garcin et al. 2020. PubMed ID: 32418263; Dallali et al. 2019. PubMed ID: 30656436), but have limited additional evidence supporting pathogenicity. Although we suspect this variant is pathogenic, at this time, the clinical significance of the p.Ala1536Val variant is uncertain due to the absence of conclusive functional and genetic evidence.

GeneDx
Classification: Uncertain significance. Last evaluated: 2026-02-17. Review status: criteria provided, single submitter. Criteria: GeneDx Variant Classification Process June 2021. Collection method: clinical testing. Allele origin: germline.
Comment: Also identified in the maternal aunt with gestational diabetes and the maternal grandmother with normal glucose tolerance and no history of diabetes (PMID: 21674179); Published functional studies suggest that this variant results in impairment of protein function; however, additional studies are needed to validate the functional effect of this variant in vivo (PMID: 21674179); In silico analysis supports that this missense variant has a deleterious effect on protein structure/function; This variant is associated with the following publications: (PMID: 23345197, 34015902, 33046911, 21674179, 34789499)

Blueprint Genetics
Classification: Likely pathogenic for ABCC8-related disorders. Last evaluated: 2022-12-01. Review status: criteria provided, single submitter. Criteria: ACMG Guidelines, 2015. Collection method: clinical testing. Allele origin: germline. Affected: yes. Observed: 1 variant allele.

Labcorp Genetics (formerly Invitae), Labcorp
Classification: Uncertain significance. Last evaluated: 2022-08-08. Review status: criteria provided, single submitter. Criteria: Invitae Variant Classification Sherloc (09022015). Collection method: clinical testing. Allele origin: germline.
Comment: This sequence change replaces alanine, which is neutral and non-polar, with valine, which is neutral and non-polar, at codon 1536 of the ABCC8 protein (p.Ala1536Val). This variant is present in population databases (rs745918247, gnomAD 0.006%). This missense change has been observed in individual(s) with clinical features of ABCC8-related conditions (PMID: 21674179, 33046911, 34015902). It has also been observed to segregate with disease in related individuals. ClinVar contains an entry for this variant (Variation ID: 556519). Algorithms developed to predict the effect of missense changes on protein structure and function are either unavailable or do not agree on the potential impact of this missense change (SIFT: "Deleterious"; PolyPhen-2: "Possibly Damaging"; Align-GVGD: "Class C0"). Experimental studies have shown that this missense change affects ABCC8 function (PMID: 21674179). In summary, the available evidence is currently insufficient to determine the role of this variant in disease. Therefore, it has been classified as a Variant of Uncertain Significance.

Athena Diagnostics
Classification: Uncertain significance. Last evaluated: 2018-07-20. Review status: criteria provided, single submitter. Criteria: Athena Diagnostics Criteria. Collection method: clinical testing. Allele origin: germline.

Counsyl
Classification: Uncertain significance for Hyperinsulinemic hypoglycemia, familial, 1. Last evaluated: 2018-02-05. Review status: no assertion criteria provided. Collection method: clinical testing. Allele origin: unknown. Not counted in ClinVar's aggregate classification.

Literature cited by the submitters: PubMed 21674179 (cited by 3 submitters); PubMed 33046911 (cited by Labcorp Genetics (formerly Invitae), Labcorp); PubMed 34015902 (cited by Labcorp Genetics (formerly Invitae), Labcorp); PubMed 23345197 (cited by Counsyl).